The following is an entry in ClinVar:

NM_000080.4(CHRNE):c.1390G>A (p.Val464Met)

Gene: CHRNE (cholinergic receptor nicotinic epsilon subunit; minus strand). Cytogenetic location: 17p13.2.
Variant type: single nucleotide variant.
Coding change: c.1390G>A on transcript NM_000080.4 (MANE Select); coding-DNA position 1390, G replaced by A.
Protein change: p.Val464Met; replaces valine 464 with methionine.
Molecular consequence: missense variant.
Genome position (GRCh38, 1-based): chr17:4,898,828, C>T on the plus strand (G>A on the coding strand, the complement: CHRNE is on the minus strand). VCF-style: chr17-4898828-C-T. GRCh37 (hg19) VCF-style: chr17-4802123-C-T.
Other names: c.1390G>A (NM_000080.3); short protein forms V464M.
Identifiers: ClinVar variation 1056344 (VCV001056344.11), dbSNP rs771016534, ClinGen allele CA8313835.

ClinVar aggregate classification (germline): Uncertain significance. Review status: criteria provided, multiple submitters, no conflicts (2 of 4 stars). 3 submissions from 3 submitters: Uncertain significance (2). 1 of the submissions does not count toward it. Last evaluated 2025-04-14.

Conditions:
Congenital myasthenic syndrome (CMS). Also called: Congenital Myasthenic Syndromes. Identifiers: Orphanet 590, MedGen C0751882, MeSH D020294, MONDO:0018940.
Congenital myasthenic syndrome 4A. Also called: Myasthenic syndrome, congenital, 4a, slow-channel; MYASTHENIC SYNDROME, CONGENITAL, 4A, SLOW-CHANNEL, AUTOSOMAL RECESSIVE; CONGENITAL MYASTHENIC SYNDROME TYPE Ia1. Identifiers: Orphanet 590, MedGen C4225413, MONDO:0011600, OMIM 605809.

Allele frequency attached by ClinVar (database versions not stated): gnomAD exomes 0.00001 and 0.00002; ExAC 0.00002; gnomAD 0.00003 and 0.00004; TOPMed 0.00004.

Submissions (3):

Labcorp Genetics (formerly Invitae), Labcorp
Classification: Uncertain significance for Congenital myasthenic syndrome 4A. Last evaluated: 2025-04-14. Review status: criteria provided, single submitter. Criteria: Invitae Variant Classification Sherloc (09022015). Collection method: clinical testing. Allele origin: germline.
Comment: This sequence change replaces valine, which is neutral and non-polar, with methionine, which is neutral and non-polar, at codon 464 of the CHRNE protein (p.Val464Met). This variant is present in population databases (rs771016534, gnomAD 0.003%). This variant has not been reported in the literature in individuals affected with CHRNE-related conditions. ClinVar contains an entry for this variant (Variation ID: 1056344). Invitae Evidence Modeling of protein sequence and biophysical properties (such as structural, functional, and spatial information, amino acid conservation, physicochemical variation, residue mobility, and thermodynamic stability) indicates that this missense variant is not expected to disrupt CHRNE protein function with a negative predictive value of 95%. In summary, the available evidence is currently insufficient to determine the role of this variant in disease. Therefore, it has been classified as a Variant of Uncertain Significance.

Revvity Omics, Revvity
Classification: Uncertain significance. Last evaluated: 2019-07-08. Review status: criteria provided, single submitter. Criteria: ACMG Guidelines, 2015. Collection method: clinical testing. Allele origin: germline.

Natera, Inc.
Classification: Uncertain significance for Congenital myasthenic syndrome. Last evaluated: 2020-04-29. Review status: no assertion criteria provided. Collection method: clinical testing. Allele origin: germline. Not counted in ClinVar's aggregate classification.